The following is an entry in ClinVar:

ClinVar aggregate classification (germline): Uncertain significance (1 of 4 stars; one submission).

Allele frequency attached by ClinVar (database versions not stated): gnomAD exomes below 0.00001; ExAC 0.00001; gnomAD 0.00001; TOPMed 0.00003.
gnomAD v4.1: 2 of 1,612,326 alleles (0.00012%); highest among the groups gnomAD compares: African/African-American, 0.0027%; no homozygotes.

Submission:

GeneDx
Classification: Uncertain significance. Last evaluated: 2019-08-26. Review status: criteria provided, single submitter. Criteria: GeneDx Variant Classification Process June 2021. Collection method: clinical testing. Allele origin: germline. Affected: yes.
Comment: Not observed at a significant frequency in large population cohorts (Lek et al., 2016); Missense variant in a gene in which most reported pathogenic variants are truncating/loss-of-function; Has not been previously published as pathogenic or benign to our knowledge

NM_001267550.2(TTN):c.65653G>C (p.Ala21885Pro)

Genes: TTN (titin; minus strand), TTN-AS1 (TTN antisense RNA 1; plus strand). Cytogenetic location: 2q31.2.
Variant type: single nucleotide variant.
Coding change: c.65653G>C on transcript NM_001267550.2 (MANE Select); coding-DNA position 65653, G replaced by C.
Protein change: p.Ala21885Pro; replaces alanine 21885 with proline.
Molecular consequence: missense variant. On other transcripts: non-coding transcript variant (1).
Genome position (GRCh38, 1-based): chr2:178,583,150, C>G on the plus strand (G>C on the coding strand, the complement: TTN is on the minus strand). VCF-style: chr2-178583150-C-G. GRCh37 (hg19) VCF-style: chr2-179447877-C-G.
Other names: c.60730G>C, p.Ala20244Pro (NM_001256850.1); c.38458G>C, p.Ala12820Pro (NM_003319.4); c.57949G>C, p.Ala19317Pro (NM_133378.4); c.38833G>C, p.Ala12945Pro (NM_133432.3); c.39034G>C, p.Ala13012Pro (NM_133437.4); short protein forms A12820P, A12945P, A13012P, A19317P, A20244P, A21885P.
Identifiers: ClinVar variation 1309813 (VCV001309813.2), dbSNP rs766178095, ClinGen allele CA1991661.
Genomic context (GRCh38, chr2:178,583,150, plus strand): 5'-TTAGCAGTGTGCCATCTTTTTTCCAAGAAACTGTTGGCATCGGTTTACCAAAAACAGTAG[C>G]ATCCAAGCAGACATTAGTTCCAGCTTTCACAGTAAGCAAAGATTTCATAGCCACACTCAG-3'
Protein context (NP_001254479.2, residues 21875-21895): VKAGTNVCLD[Ala21885Pro]TVFGKPMPTV